The following is an entry in ClinVar:

NM_005630.3(SLCO2A1):c.1509G>T (p.Lys503Asn)

Gene: SLCO2A1 (solute carrier organic anion transporter family member 2A1; minus strand). Cytogenetic location: 3q22.1.
Variant type: single nucleotide variant.
Coding change: c.1509G>T on transcript NM_005630.3 (MANE Select); coding-DNA position 1509, G replaced by T.
Protein change: p.Lys503Asn; replaces lysine 503 with asparagine.
Molecular consequence: missense variant.
Genome position (GRCh38, 1-based): chr3:133,942,721, C>A on the plus strand (G>T on the coding strand, the complement: SLCO2A1 is on the minus strand). VCF-style: chr3-133942721-C-A. GRCh37 (hg19) VCF-style: chr3-133661565-C-A.
Other names: c.1509G>T (NM_005630.2); short protein forms K503N.
Identifiers: ClinVar variation 2419236 (VCV002419236.27), dbSNP rs200364668, ClinGen allele CA2626433.

ClinVar aggregate classification (germline): Conflicting classifications of pathogenicity. Review status: criteria provided, conflicting classifications (1 of 4 stars). 3 submissions from 3 submitters: Uncertain significance (2); Likely benign (1). Last evaluated 2025-11-17.

Conditions:
Inborn genetic diseases. Identifiers: MedGen C0950123, MeSH D030342.

Allele frequency attached by ClinVar (database versions not stated): gnomAD 0.00004; TOPMed 0.00004; gnomAD exomes 0.00005; ExAC 0.00006; ESP Exome Variant Server 0.00008.
gnomAD v4.1: 86 of 1,612,664 alleles (0.0053%); highest among the groups gnomAD compares: Middle Eastern, 0.016%; 1 homozygote.

Submissions (3):

Labcorp Genetics (formerly Invitae), Labcorp
Classification: Uncertain significance. Last evaluated: 2025-11-17. Review status: criteria provided, single submitter. Criteria: Invitae Variant Classification Sherloc (09022015). Collection method: clinical testing. Allele origin: germline.
Comment: This sequence change replaces lysine, which is basic and polar, with asparagine, which is neutral and polar, at codon 503 of the SLCO2A1 protein (p.Lys503Asn). This variant is present in population databases (rs200364668, gnomAD 0.01%). This variant has not been reported in the literature in individuals affected with SLCO2A1-related conditions. ClinVar contains an entry for this variant (Variation ID: 2419236). Invitae Evidence Modeling of protein sequence and biophysical properties (such as structural, functional, and spatial information, amino acid conservation, physicochemical variation, residue mobility, and thermodynamic stability) has been performed for this missense variant. However, the output from this modeling did not meet the statistical confidence thresholds required to predict the impact of this variant on SLCO2A1 protein function. In summary, the available evidence is currently insufficient to determine the role of this variant in disease. Therefore, it has been classified as a Variant of Uncertain Significance.

Ambry Genetics
Classification: Uncertain significance for Inborn genetic diseases. Last evaluated: 2024-08-02. Review status: criteria provided, single submitter. Criteria: Ambry Variant Classification Scheme 2023. Collection method: clinical testing. Allele origin: germline.

CeGaT Center for Human Genetics Tuebingen
Classification: Likely benign. Last evaluated: 2024-02-01. Review status: criteria provided, single submitter. Criteria: CeGaT Center For Human Genetics Tuebingen Variant Classification Criteria Version 2. Collection method: clinical testing. Allele origin: germline. Affected: yes. Observed: 1 variant allele.
Comment: SLCO2A1: BP4